The following is an entry in ClinVar:

NM_012082.4(ZFPM2):c.383C>T (p.Pro128Leu)

Gene: ZFPM2 (zinc finger protein, FOG family member 2; plus strand). Cytogenetic location: 8q23.1.
Variant type: single nucleotide variant.
Coding change: c.383C>T on transcript NM_012082.4 (MANE Select); coding-DNA position 383, C replaced by T.
Protein change: p.Pro128Leu; replaces proline 128 with leucine.
Molecular consequence: missense variant. On other transcripts: 5 prime UTR variant (1).
Genome position (GRCh38, 1-based): chr8:105,561,444, C>T. VCF-style: chr8-105561444-C-T. GRCh37 (hg19) VCF-style: chr8-106573672-C-T.
Other names: c.224C>T, p.Pro75Leu (NM_001362836.2); c.-14C>T (NM_001362837.2); short protein forms P128L, P75L.
Identifiers: ClinVar variation 1315831 (VCV001315831.3), dbSNP rs1230477062, ClinGen allele CA372026519.

ClinVar aggregate classification (germline): Uncertain significance. Review status: criteria provided, multiple submitters, no conflicts (2 of 4 stars). 2 submissions from 2 submitters: Uncertain significance (2). Last evaluated 2024-09-27.

Conditions:
Inborn genetic diseases. Identifiers: MedGen C0950123, MeSH D030342.

Allele frequency attached by ClinVar (database versions not stated): gnomAD exomes below 0.00001; gnomAD 0.00001.
gnomAD v4.1: 4 of 1,612,850 alleles (0.00025%); highest among the groups gnomAD compares: Non-Finnish European, 0.00025%; no homozygotes.

Submissions (2):

Ambry Genetics
Classification: Uncertain significance for Inborn genetic diseases. Last evaluated: 2024-09-27. Review status: criteria provided, single submitter. Criteria: Ambry Variant Classification Scheme 2023. Collection method: clinical testing. Allele origin: germline.

GeneDx
Classification: Uncertain significance. Last evaluated: 2020-05-14. Review status: criteria provided, single submitter. Criteria: GeneDx Variant Classification Process June 2021. Collection method: clinical testing. Allele origin: germline. Affected: yes.
Comment: Not observed at a significant frequency in large population cohorts (Lek et al., 2016); In silico analysis, which includes protein predictors and evolutionary conservation, supports a deleterious effect; Has not been previously published as pathogenic or benign to our knowledge